The following is an entry in ClinVar:

NM_020971.3(SPTBN4):c.1965G>A (p.Glu655=)

Gene: SPTBN4 (spectrin beta, non-erythrocytic 4; plus strand). Cytogenetic location: 19q13.2.
Variant type: single nucleotide variant.
Coding change: c.1965G>A on transcript NM_020971.3 (MANE Select); coding-DNA position 1965, G replaced by A.
Protein change: p.Glu655=; no amino-acid change (glutamic acid 655 retained).
Molecular consequence: synonymous variant.
Genome position (GRCh38, 1-based): chr19:40,512,754, G>A. VCF-style: chr19-40512754-G-A. GRCh37 (hg19) VCF-style: chr19-41018661-G-A.
Other names: c.1965G>A (NM_020971.2).
Identifiers: ClinVar variation 1013160 (VCV001013160.40), dbSNP rs541135152, ClinGen allele CA9445813.
Genomic context (GRCh38, chr19:40,512,754, plus strand): 5'-GCGACGCGCGGAGCTGGAGGCTTCGCGGAGCCTGTGGGCGCTGCTGCAGGAGCTGGAGGA[G>A]GCCGAGAGCTGGGCGCGCGACAAGGAGCGTCTCCTGGAGGCTGCGGGCGGCGGCGGTGCG-3'
Protein context (NP_066022.2, residues 645-665): SLWALLQELE[Glu655=]AESWARDKER

ClinVar aggregate classification (germline): Likely benign. Review status: criteria provided, multiple submitters, no conflicts (2 of 4 stars). 3 submissions from 3 submitters: Likely benign (3). Last evaluated 2026-06-11.

Conditions:
SPTBN4-related disorder. Also called: SPTBN4-related condition.

Allele frequency attached by ClinVar (database versions not stated): ExAC 0.00010; 1000 Genomes Project 30x 0.00016; 1000 Genomes Project 0.00020; gnomAD exomes 0.00032 and 0.00077; gnomAD 0.00034 and 0.00036; TOPMed 0.00040.
gnomAD v4.1: 1,089 of 1,513,040 alleles (0.072%); highest among the groups gnomAD compares: Non-Finnish European, 0.092%; no homozygotes.

Submissions (3):

PreventionGenetics, part of Exact Sciences
Classification: Likely benign for SPTBN4-related condition. Last evaluated: 2026-06-11. Review status: criteria provided, single submitter. Criteria: ACMG Guidelines, 2015. Collection method: clinical testing. Allele origin: germline.
Comment: This variant is classified as likely benign based on ACMG/AMP sequence variant interpretation guidelines (Richards et al. 2015 PMID: 25741868, with internal and published modifications).

Blueprint Genetics
Classification: Likely benign. Last evaluated: 2024-09-11. Review status: criteria provided, single submitter. Criteria: ACMG Guidelines, 2015. Collection method: clinical testing. Allele origin: germline.

CeGaT Center for Human Genetics Tuebingen
Classification: Likely benign. Last evaluated: 2023-04-01. Review status: criteria provided, single submitter. Criteria: CeGaT Center For Human Genetics Tuebingen Variant Classification Criteria Version 2. Collection method: clinical testing. Allele origin: germline. Affected: yes. Observed: 2 variant alleles.
Comment: SPTBN4: BP4, BP7